The following is an entry in ClinVar:

NM_000179.3(MSH6):c.1703T>C (p.Phe568Ser)

Gene: MSH6 (mutS homolog 6; plus strand). Cytogenetic location: 2p16.3.
Variant type: single nucleotide variant.
Coding change: c.1703T>C on transcript NM_000179.3 (MANE Select); coding-DNA position 1703, T replaced by C.
Protein change: p.Phe568Ser; replaces phenylalanine 568 with serine.
Molecular consequence: missense variant.
Genome position (GRCh38, 1-based): chr2:47,799,686, T>C. VCF-style: chr2-47799686-T-C. GRCh37 (hg19) VCF-style: chr2-48026825-T-C.
Other names: c.1313T>C, p.Phe438Ser (NM_001281492.2); c.797T>C, p.Phe266Ser (NM_001281493.2, NM_001281494.2, NM_001406811.1 and 6 more transcripts); c.1799T>C, p.Phe600Ser (NM_001406795.1, NM_001406802.1); c.1703T>C, p.Phe568Ser (NM_001406796.1, NM_001406798.1, NM_001406800.1 and 3 more transcripts); c.1406T>C, p.Phe469Ser (NM_001406797.1, NM_001406801.1, NM_001406805.1 and 10 more transcripts); c.1178T>C, p.Phe393Ser (NM_001406799.1, NM_001406806.1, NM_001406807.1); c.1625T>C, p.Phe542Ser (NM_001406804.1); c.1709T>C, p.Phe570Ser (NM_001406813.1); and 1 more; short protein forms F266S, F542S, F393S, F438S, F469S, F512S, F568S, F570S.
Identifiers: ClinVar variation 1778401 (VCV001778401.2), dbSNP rs1669363731, ClinGen allele CA346748527.

ClinVar aggregate classification (germline): Uncertain significance (1 of 4 stars; one submission).

Conditions:
Hereditary cancer-predisposing syndrome. Also called: Neoplastic Syndromes, Hereditary; Tumor predisposition; Hereditary Cancer Syndrome; Hereditary neoplastic syndrome. Identifiers: Orphanet 140162, MedGen C0027672, MeSH D009386, MONDO:0015356.

Submission:

Ambry Genetics
Classification: Uncertain significance for Hereditary cancer-predisposing syndrome. Last evaluated: 2019-10-15. Review status: criteria provided, single submitter. Criteria: Ambry Variant Classification Scheme 2023. Collection method: clinical testing. Allele origin: germline.
Comment: The p.F568S variant (also known as c.1703T>C), located in coding exon 4 of the MSH6 gene, results from a T to C substitution at nucleotide position 1703. The phenylalanine at codon 568 is replaced by serine, an amino acid with highly dissimilar properties. This amino acid position is highly conserved in available vertebrate species. In addition, this alteration is predicted to be deleterious by in silico analysis. Since supporting evidence is limited at this time, the clinical significance of this alteration remains unclear.